The following is an entry in ClinVar:

ClinVar aggregate classification (germline): Conflicting classifications of pathogenicity. Review status: criteria provided, conflicting classifications (1 of 4 stars). 2 submissions from 2 submitters: Uncertain significance (1); Likely benign (1). Last evaluated 2025-08-12.

Conditions:
Inborn genetic diseases. Identifiers: MedGen C0950123, MeSH D030342.

Allele frequency attached by ClinVar (database versions not stated): ESP Exome Variant Server 0.00015; TOPMed 0.00003; ExAC 0.00002; gnomAD 0.00003; gnomAD exomes 0.00006.
gnomAD v4.1: 93 of 1,613,512 alleles (0.0058%); highest among the groups gnomAD compares: Non-Finnish European, 0.0075%; no homozygotes.

Submissions (2):

Labcorp Genetics (formerly Invitae), Labcorp
Classification: Uncertain significance. Last evaluated: 2025-08-12. Review status: criteria provided, single submitter. Criteria: Invitae Variant Classification Sherloc (09022015). Collection method: clinical testing. Allele origin: germline.
Comment: This sequence change replaces threonine, which is neutral and polar, with alanine, which is neutral and non-polar, at codon 271 of the WNT9B protein (p.Thr271Ala). This variant is present in population databases (rs142604963, gnomAD 0.008%). This variant has not been reported in the literature in individuals affected with WNT9B-related conditions. ClinVar contains an entry for this variant (Variation ID: 3190766). An algorithm developed to predict the effect of missense changes on protein structure and function outputs the following: PolyPhen-2: "Benign". The alanine amino acid residue is found in multiple mammalian species, which suggests that this missense change does not adversely affect protein function. In summary, the available evidence is currently insufficient to determine the role of this variant in disease. Therefore, it has been classified as a Variant of Uncertain Significance.

Ambry Genetics
Classification: Likely benign for Inborn genetic diseases. Last evaluated: 2024-02-21. Review status: criteria provided, single submitter. Criteria: Ambry Variant Classification Scheme 2023. Collection method: clinical testing. Allele origin: germline.

NM_003396.3(WNT9B):c.811A>G (p.Thr271Ala)

Genes: LRRC37A2 (leucine rich repeat containing 37 member A2), WNT9B (Wnt family member 9B; plus strand). Cytogenetic location: 17q21.32.
Variant type: single nucleotide variant.
Coding change: c.811A>G on transcript NM_003396.3 (MANE Select); coding-DNA position 811, A replaced by G.
Protein change: p.Thr271Ala; replaces threonine 271 with alanine.
Molecular consequence: missense variant.
Genome position (GRCh38, 1-based): chr17:46,876,455, A>G. VCF-style: chr17-46876455-A-G. GRCh37 (hg19) VCF-style: chr17-44953821-A-G.
Other names: c.811A>G, p.Thr271Ala (NM_001320458.2); short protein forms T271A.
Identifiers: ClinVar variation 3190766 (VCV003190766.3), dbSNP rs142604963, ClinGen allele CA8621005.